The following is an entry in ClinVar:

ClinVar aggregate classification (germline): Uncertain significance (1 of 4 stars; one submission).

Submission:

Labcorp Genetics (formerly Invitae), Labcorp
Classification: Uncertain significance. Last evaluated: 2019-11-23. Review status: criteria provided, single submitter. Criteria: Invitae Variant Classification Sherloc (09022015). Collection method: clinical testing. Allele origin: germline.
Comment: This sequence change replaces arginine with serine at codon 900 of the PITPNM3 protein (p.Arg900Ser). The arginine residue is highly conserved and there is a moderate physicochemical difference between arginine and serine. In summary, the available evidence is currently insufficient to determine the role of this variant in disease. Therefore, it has been classified as a Variant of Uncertain Significance. Algorithms developed to predict the effect of missense changes on protein structure and function are either unavailable or do not agree on the potential impact of this missense change (SIFT: "Deleterious"; PolyPhen-2: "Not Available; Align-GVGD: "Class C0"). This variant has not been reported in the literature in individuals with PITPNM3-related conditions. This variant is reported as two separate entries in the ExAC population database (c.2697G>A, 0.01% and c.2698C>A, no frequency).

NM_031220.4(PITPNM3):c.2697_2698delinsAA (p.Arg900Ser)

Gene: PITPNM3 (PITPNM family member 3; minus strand). Cytogenetic location: 17p13.2.
Variant type: Indel.
Coding change: c.2697_2698delinsAA on transcript NM_031220.4 (MANE Select); coding-DNA positions 2697 to 2698, GC replaced by AA.
Protein change: p.Arg900Ser; replaces arginine 900 with serine.
Molecular consequence: missense variant.
Genome position (GRCh38, 1-based): chr17:6,455,565-6,455,566, GC replaced by TT on the plus strand (GC replaced by AA on the coding strand, the reverse complement: PITPNM3 is on the minus strand). VCF-style: chr17-6455565-GC-TT. GRCh37 (hg19) VCF-style: chr17-6358885-GC-TT.
Other names: c.2589_2590delinsAA, p.Arg864Ser (NM_001165966.2); short protein forms R900S, R864S.
Identifiers: ClinVar variation 845979 (VCV000845979.8), dbSNP rs1914054912, ClinGen allele CA916083524.